The following is an entry in ClinVar:

NM_001364905.1(LRBA):c.4949A>G (p.Lys1650Arg)

Gene: LRBA (LPS responsive beige-like anchor protein; minus strand). Cytogenetic location: 4q31.3.
Variant type: single nucleotide variant.
Coding change: c.4949A>G on transcript NM_001364905.1 (MANE Select); coding-DNA position 4949, A replaced by G.
Protein change: p.Lys1650Arg; replaces lysine 1650 with arginine.
Molecular consequence: missense variant.
Genome position (GRCh38, 1-based): chr4:150,828,402, T>C on the plus strand (A>G on the coding strand, the complement: LRBA is on the minus strand). VCF-style: chr4-150828402-T-C. GRCh37 (hg19) VCF-style: chr4-151749554-T-C.
Other names: p.Lys1650Arg; c.4949A>G, p.Lys1650Arg (NM_001199282.3, NM_001367550.1, NM_006726.5); short protein forms K1650R.
Identifiers: ClinVar variation 1386773 (VCV001386773.5), dbSNP rs556113487, ClinGen allele CA3102616.

ClinVar aggregate classification (germline): Uncertain significance. Review status: criteria provided, multiple submitters, no conflicts (2 of 4 stars). 2 submissions from 2 submitters: Uncertain significance (2). Last evaluated 2025-11-14.

Conditions:
Combined immunodeficiency due to LRBA deficiency. Also called: Common variable immunodeficiency 8, with autoimmunity. Identifiers: Orphanet 445018, MedGen C3553512, MONDO:0013863, OMIM 614700.

Allele frequency attached by ClinVar (database versions not stated): gnomAD exomes 0.00001 and 0.00003; ExAC 0.00006; gnomAD 0.00011; 1000 Genomes Project 30x 0.00016; TOPMed 0.00018; 1000 Genomes Project 0.00020.
gnomAD v4.1: 34 of 1,614,096 alleles (0.0021%); highest among the groups gnomAD compares: African/African-American, 0.041%; no homozygotes.

Submissions (2):

Mayo Clinic Laboratories, Mayo Clinic
Classification: Uncertain significance. Last evaluated: 2025-11-14. Review status: criteria provided, single submitter. Criteria: ACMG Guidelines, 2015. Collection method: clinical testing. Allele origin: germline. Observed: 1 variant allele.
Comment: BP4_moderate

Labcorp Genetics (formerly Invitae), Labcorp
Classification: Uncertain significance for Combined immunodeficiency due to LRBA deficiency. Last evaluated: 2025-10-19. Review status: criteria provided, single submitter. Criteria: Invitae Variant Classification Sherloc (09022015). Collection method: clinical testing. Allele origin: germline.
Comment: This sequence change replaces lysine, which is basic and polar, with arginine, which is basic and polar, at codon 1650 of the LRBA protein (p.Lys1650Arg). This variant is present in population databases (rs556113487, gnomAD 0.05%). This variant has not been reported in the literature in individuals affected with LRBA-related conditions. ClinVar contains an entry for this variant (Variation ID: 1386773). Invitae Evidence Modeling of protein sequence and biophysical properties (such as structural, functional, and spatial information, amino acid conservation, physicochemical variation, residue mobility, and thermodynamic stability) indicates that this missense variant is not expected to disrupt LRBA protein function with a negative predictive value of 80%. In summary, the available evidence is currently insufficient to determine the role of this variant in disease. Therefore, it has been classified as a Variant of Uncertain Significance.